The following is an entry in ClinVar:

ClinVar aggregate classification (germline): Likely pathogenic. Review status: criteria provided, single submitter (1 of 4 stars). 2 submissions from 2 submitters: Likely pathogenic (1). 1 of the submissions does not count toward it. Last evaluated 2024-10-04.

Conditions:
GM1 gangliosidosis. Identifiers: Orphanet 354, MedGen C0085131, MONDO:0018149.
Infantile GM1 gangliosidosis. Also called: GM1-gangliosidosis, type I; Gangliosidosis, generalized GM1, infantile form; GLB1 deficiency; GM1 gangliosidosis type 1; Gangliosidosis, Generalized GM1, Type 1. Identifiers: Orphanet 354, Orphanet 79255, MedGen C0268271, MONDO:0009260, OMIM 230500.

Submissions (2):

Dubai Health Genomic Medicine Center, Dubai Health
Classification: Likely pathogenic for GM1-gangliosidosis. Last evaluated: 2024-10-04. Review status: criteria provided, single submitter. Criteria: ACMG Guidelines, 2015. Collection method: research. Allele origin: germline. Affected: yes.
Comment: PP2,PM2,PP3,PM5

OMIM
Classification: Pathogenic for GM1-GANGLIOSIDOSIS, TYPE I. Last evaluated: 2021-10-14. Review status: no assertion criteria provided. Collection method: literature only. Allele origin: germline. Not counted in ClinVar's aggregate classification.

Literature cited by the submitters: PubMed 32219518 (cited by OMIM).

NM_000404.4(GLB1):c.451G>T (p.Asp151Tyr)

Gene: GLB1 (galactosidase beta 1; minus strand). Cytogenetic location: 3p22.3.
Variant type: single nucleotide variant.
Coding change: c.451G>T on transcript NM_000404.4 (MANE Select); coding-DNA position 451, G replaced by T.
Protein change: p.Asp151Tyr; replaces aspartic acid 151 with tyrosine.
Molecular consequence: missense variant. On other transcripts: intron variant (1).
Genome position (GRCh38, 1-based): chr3:33,068,236, C>A on the plus strand (G>T on the coding strand, the complement: GLB1 is on the minus strand). VCF-style: chr3-33068236-C-A. GRCh37 (hg19) VCF-style: chr3-33109728-C-A.
Other names: c.361G>T, p.Asp121Tyr (NM_001079811.3); c.595G>T, p.Asp199Tyr (NM_001317040.2); c.451G>T, p.Asp151Tyr (NM_001393580.1); c.246-2679G>T (NM_001135602.3); short protein forms D151Y, D121Y, D199Y.
Identifiers: ClinVar variation 1300015 (VCV001300015.2), dbSNP rs375582374, ClinGen allele CA351994013.
Genomic context (GRCh38, chr3:33,068,236, plus strand): 5'-CGCACCTAGGCTGAAGCTTTTATAAATCTTCTCAAGACATCTGTAACAACCTACCTGGGT[C>A]GGAGGAGCGGAGAAGAATAGACTCTTTCTCTAGCAGCCAAGCAGGTAATCCTCCCTAGTT-3'
Protein context (NP_000395.3, residues 141-161): EKESILLRSS[Asp151Tyr]PDYLAAVDKW